The following is an entry in ClinVar:

NM_001013838.3(CARMIL2):c.2082+3G>A

Gene: CARMIL2 (capping protein regulator and myosin 1 linker 2; plus strand). Cytogenetic location: 16q22.1.
Variant type: single nucleotide variant.
Coding change: c.2082+3G>A on transcript NM_001013838.3 (MANE Select); 3 bases into the intron after coding-DNA position 2082, G replaced by A.
Molecular consequence: intron variant.
Genome position (GRCh38, 1-based): chr16:67,649,971, G>A. VCF-style: chr16-67649971-G-A. GRCh37 (hg19) VCF-style: chr16-67683874-G-A.
Other names: c.1974+3G>A (NM_001317026.3).
Identifiers: ClinVar variation 3667624 (VCV003667624.2).

ClinVar aggregate classification (germline): Uncertain significance (1 of 4 stars; one submission).

gnomAD v4.1: 2 of 1,613,396 alleles (0.00012%); highest among the groups gnomAD compares: Non-Finnish European, 0.00017%; no homozygotes.

Submission:

Labcorp Genetics (formerly Invitae), Labcorp
Classification: Uncertain significance. Last evaluated: 2024-10-25. Review status: criteria provided, single submitter. Criteria: Invitae Variant Classification Sherloc (09022015). Collection method: clinical testing. Allele origin: germline.
Comment: This sequence change falls in intron 21 of the CARMIL2 gene. It does not directly change the encoded amino acid sequence of the CARMIL2 protein. It affects a nucleotide within the consensus splice site. This variant is not present in population databases (gnomAD no frequency). This variant has not been reported in the literature in individuals affected with CARMIL2-related conditions. Variants that disrupt the consensus splice site are a relatively common cause of aberrant splicing (PMID: 17576681, 9536098). Algorithms developed to predict the effect of sequence changes on RNA splicing suggest that this variant is not likely to affect RNA splicing. In summary, the available evidence is currently insufficient to determine the role of this variant in disease. Therefore, it has been classified as a Variant of Uncertain Significance.

Literature cited by the submitters: PubMed 17576681; PubMed 9536098.